The following is an entry in ClinVar:

ClinVar aggregate classification (germline): Uncertain significance (1 of 4 stars; one submission).

Conditions:
Deafness-lymphedema-leukemia syndrome. Also called: Lymphedema, primary, with myelodysplasia; Emberger syndrome. Identifiers: Orphanet 3226, MedGen C3279664, MONDO:0013540, OMIM 614038.
Monocytopenia with susceptibility to infections. Also called: IMMUNODEFICIENCY 21; MONOCYTOPENIA AND MYCOBACTERIAL INFECTION SYNDROME; MONOCYTOPENIA WITH SUSCEPTIBILITY TO MYCOBACTERIAL, FUNGAL, AND PAPILLOMAVIRUS INFECTIONS AND MYELODYSPLASIA; COMBINED IMMUNODEFICIENCY WITH SUSCEPTIBILITY TO MYCOBACTERIAL, VIRAL, AND FUNGAL INFECTIONS; Dendritic cell, monocyte, B lymphocyte, and natural killer lymphocyte deficiency; GATA2 DEFICIENCY. Identifiers: Orphanet 228423, MedGen C3280030, MONDO:0013607, OMIM 614172.

Allele frequency attached by ClinVar (database versions not stated): gnomAD exomes below 0.00001.
gnomAD v4.1: 4 of 1,614,186 alleles (0.00025%); highest among the groups gnomAD compares: Non-Finnish European, 0.00034%; no homozygotes.

Submission:

Labcorp Genetics (formerly Invitae), Labcorp
Classification: Uncertain significance for Monocytopenia with susceptibility to infections; Deafness-lymphedema-leukemia syndrome. Last evaluated: 2022-09-17. Review status: criteria provided, single submitter. Criteria: Invitae Variant Classification Sherloc (09022015). Collection method: clinical testing. Allele origin: germline.
Comment: This variant is not present in population databases (gnomAD no frequency). This variant has not been reported in the literature in individuals affected with GATA2-related conditions. Advanced modeling of protein sequence and biophysical properties (such as structural, functional, and spatial information, amino acid conservation, physicochemical variation, residue mobility, and thermodynamic stability) has been performed at Invitae for this missense variant, however the output from this modeling did not meet the statistical confidence thresholds required to predict the impact of this variant on GATA2 protein function. In summary, the available evidence is currently insufficient to determine the role of this variant in disease. Therefore, it has been classified as a Variant of Uncertain Significance. This sequence change replaces arginine, which is basic and polar, with glycine, which is neutral and non-polar, at codon 204 of the GATA2 protein (p.Arg204Gly).

NM_032638.5(GATA2):c.610C>G (p.Arg204Gly)

Gene: GATA2 (GATA binding protein 2; minus strand). Cytogenetic location: 3q21.3.
Variant type: single nucleotide variant.
Coding change: c.610C>G on transcript NM_032638.5 (MANE Select); coding-DNA position 610, C replaced by G.
Protein change: p.Arg204Gly; replaces arginine 204 with glycine.
Molecular consequence: missense variant.
Genome position (GRCh38, 1-based): chr3:128,485,988, G>C on the plus strand (C>G on the coding strand, the complement: GATA2 is on the minus strand). VCF-style: chr3-128485988-G-C. GRCh37 (hg19) VCF-style: chr3-128204831-G-C.
Other names: c.610C>G, p.Arg204Gly (NM_001145661.2, NM_001145662.1); short protein forms R204G.
Identifiers: ClinVar variation 2117494 (VCV002117494.4), dbSNP rs1576748638, ClinGen allele CA354406423.
Genomic context (GRCh38, chr3:128,485,988, plus strand): 5'-CCATCTTCATGCTCTCCGTCAGTGACACCTGGTACTTGACGCCGTCCTTGTCCTCTCCTC[G>C]GGCTGCACTACCCCCCGCGGAAGATGAGGCTGGAGACGCAGCCCCCGTGGTGCTAGGGTC-3'
Protein context (NP_116027.2, residues 194-214): ASSSAGGSAA[Arg204Gly]GEDKDGVKYQ